The following is an entry in ClinVar:

ClinVar aggregate classification (germline): Likely benign. Review status: criteria provided, multiple submitters, no conflicts (2 of 4 stars). 2 submissions from 2 submitters: Likely benign (2). Last evaluated 2023-08-08.

Conditions:
Malignant hyperthermia, susceptibility to, 1 (MHS1). Also called: Anesthesia related hyperthermia; Malignant hyperpyrexia; Fulminating hyperpyrexia; Pharmacogenic myopathy; RYR1-Related Malignant Hyperthermia Susceptibility; Malignant hyperthermia suceptibility 1. Identifiers: Orphanet 423, MedGen C2930980, MONDO:0007783, OMIM 145600.
RYR1-related disorder. Also called: RYR1-related condition; RYR1-related disorders. Identifiers: MedGen CN239331.

gnomAD v4.1: 1 of 1,602,150 alleles (0.000062%); no homozygotes.

Submissions (2):

All of Us Research Program, National Institutes of Health
Classification: Likely benign for Malignant hyperthermia, susceptibility to, 1. Last evaluated: 2023-08-08. Review status: criteria provided, single submitter. Criteria: ACMG Guidelines, 2015. Collection method: clinical testing. Allele origin: germline. Inheritance: Autosomal dominant inheritance. Observed: 1 variant allele, 1 heterozygote.
Comment: This study involves interpretation of variants in research participants for the purpose of population health screening. Participant phenotype was not available at the time of variant classification. Additional details can be found in publication PMID: 35346344, PMCID: PMC8962531

Labcorp Genetics (formerly Invitae), Labcorp
Classification: Likely benign for RYR1-related disorder. Last evaluated: 2023-04-18. Review status: criteria provided, single submitter. Criteria: Invitae Variant Classification Sherloc (09022015). Collection method: clinical testing. Allele origin: germline.

NM_000540.3(RYR1):c.7149C>A (p.Ala2383=)

Gene: RYR1 (ryanodine receptor 1; plus strand). Cytogenetic location: 19q13.2.
Variant type: single nucleotide variant.
Coding change: c.7149C>A on transcript NM_000540.3 (MANE Select); coding-DNA position 7149, C replaced by A.
Protein change: p.Ala2383=; no amino-acid change (alanine 2383 retained).
Molecular consequence: synonymous variant.
Genome position (GRCh38, 1-based): chr19:38,499,756, C>A. VCF-style: chr19-38499756-C-A. GRCh37 (hg19) VCF-style: chr19-38990396-C-A.
Other names: c.7149C>A, p.Ala2383= (NM_001042723.2).
Identifiers: ClinVar variation 3016390 (VCV003016390.4), dbSNP rs1197705872, ClinGen allele CA507353893.
Genomic context (GRCh38, chr19:38,499,756, plus strand): 5'-CTTCGGACCCGCCCTGCGGGGTGAGGGTGGCTCAGGGCTGCTGGCTGCCATCGAAGAGGC[C>A]ATCCGCATCTCCGAGGACCCTGCGAGGGATGGCCCAGGCATCCGCAGGGACCGGCGGCGC-3'
Protein context (NP_000531.2, residues 2373-2393): GSGLLAAIEE[Ala2383=]IRISEDPARD